The following is an entry in ClinVar:

NM_001005273.3(CHD3):c.2089A>C (p.Lys697Gln)

Gene: CHD3 (chromodomain helicase DNA binding protein 3; plus strand). Cytogenetic location: 17p13.1.
Variant type: single nucleotide variant.
Coding change: c.2089A>C on transcript NM_001005273.3 (MANE Select); coding-DNA position 2089, A replaced by C.
Protein change: p.Lys697Gln; replaces lysine 697 with glutamine.
Molecular consequence: missense variant.
Genome position (GRCh38, 1-based): chr17:7,898,533, A>C. VCF-style: chr17-7898533-A-C. GRCh37 (hg19) VCF-style: chr17-7801851-A-C.
Other names: c.2266A>C, p.Lys756Gln (NM_001005271.3, NM_001437504.1); c.2254A>C, p.Lys752Gln (NM_001437507.1, NM_001437508.1, NM_001437509.1); c.2089A>C, p.Lys697Gln (NM_005852.4); short protein forms K697Q, K756Q, K752Q.
Identifiers: ClinVar variation 5009644 (VCV005009644.1).

ClinVar aggregate classification (germline): Uncertain significance (1 of 4 stars; one submission).

gnomAD v4.1: 1 of 1,614,082 alleles (0.000062%); highest among the groups gnomAD compares: Admixed American, 0.0017%; no homozygotes.

Submission:

GeneDx
Classification: Uncertain significance. Last evaluated: 2026-02-17. Review status: criteria provided, single submitter. Criteria: GeneDx Variant Classification Process June 2021. Collection method: clinical testing. Allele origin: germline.
Comment: Not observed at significant frequency in large population cohorts (gnomAD); In silico analysis supports that this missense variant has a deleterious effect on protein structure/function; Has not been previously published as pathogenic or benign to our knowledge